The following is an entry in ClinVar:

NM_080425.4(GNAS):c.1589C>G (p.Pro530Arg)

Gene: GNAS (GNAS complex locus; plus strand). Cytogenetic location: 20q13.32.
Variant type: single nucleotide variant.
Coding change: c.1589C>G on transcript NM_080425.4 (MANE Plus Clinical); coding-DNA position 1589, C replaced by G.
Protein change: p.Pro530Arg; replaces proline 530 with arginine.
Molecular consequence: missense variant. On other transcripts: intron variant (3).
Genome position (GRCh38, 1-based): chr20:58,854,854, C>G. VCF-style: chr20-58854854-C-G. GRCh37 (hg19) VCF-style: chr20-57429909-C-G.
Other names: c.1402C>G, p.Pro468Ala (NM_001077490.3, NM_001309883.1); c.1589C>G, p.Pro530Arg (NM_001410913.1); c.*42+13968C>G (NM_016592.5); c.43+13968C>G (NM_001410912.1); c.-39+12979C>G (NM_001309861.2); short protein forms P468A, P530R.
Identifiers: ClinVar variation 3048209 (VCV003048209.2), dbSNP rs888554090, ClinGen allele CA316342830.
Genomic context (GRCh38, chr20:58,854,854, plus strand): 5'-TCCGCCGGGCGGCCTCTGCAGCCCCTGCCTCCGGGGCCAGACGCAAGATCCATCTCAGAC[C>G]CCCCAGCCCCGAGATCCAGGCTGCCGATCCGCCTACTCCGCGGCCTACTCGCGCGTCTGC-3'
Protein context (NP_536350.2, residues 520-540): SGARRKIHLR[Pro530Arg]PSPEIQAADP

ClinVar aggregate classification (germline): Uncertain significance (0 of 4 stars; one submission).

Conditions:
GNAS-related disorder. Identifiers: MedGen CN380105.

Allele frequency attached by ClinVar (database versions not stated): TOPMed 0.00002; gnomAD 0.00003.
gnomAD v4.1: 44 of 1,596,872 alleles (0.0028%); highest among the groups gnomAD compares: Non-Finnish European, 0.0034%; no homozygotes.

Submission:

PreventionGenetics, part of Exact Sciences
Classification: Uncertain significance for GNAS-related condition. Last evaluated: 2024-02-14. Review status: no assertion criteria provided. Collection method: clinical testing. Allele origin: germline.
Comment: The GNAS c.1589C>G variant is predicted to result in the amino acid substitution p.Pro530Arg. To our knowledge, this variant has not been reported in the literature. This variant is reported in 0.0027% of alleles in individuals of European (Non-Finnish) descent in gnomAD. At this time, the clinical significance of this variant is uncertain due to the absence of conclusive functional and genetic evidence.